The following is an entry in ClinVar:

ClinVar aggregate classification (germline): Conflicting classifications of pathogenicity. Review status: criteria provided, conflicting classifications (1 of 4 stars). 8 submissions from 8 submitters: Uncertain significance (6); Likely benign (1). 1 of the submissions does not count toward it. Last evaluated 2026-08-14.

Conditions:
TTN-related disorder. Also called: TTN-related condition; TTN-related disease; TTN-related disorders.
Cardiovascular phenotype. Identifiers: MedGen CN230736.
Dilated cardiomyopathy 1G (CMD1G). Identifiers: Orphanet 154, MedGen C1858763, MONDO:0011400, OMIM 604145.
Autosomal recessive limb-girdle muscular dystrophy type 2J (LGMDR10). Also called: Limb-girdle muscular dystrophy, type 2J; MUSCULAR DYSTROPHY, LIMB-GIRDLE, AUTOSOMAL RECESSIVE 10. Identifiers: Orphanet 140922, MedGen C1837342, MONDO:0012127, OMIM 608807.

Allele frequency attached by ClinVar (database versions not stated): gnomAD exomes 0.00005 and 0.00016; ExAC 0.00007; 1000 Genomes Project 30x 0.00016; 1000 Genomes Project 0.00020; TOPMed 0.00023; gnomAD 0.00029 and 0.00031.
gnomAD v4.1: 119 of 1,607,914 alleles (0.0074%); highest among the groups gnomAD compares: Admixed American, 0.13%; 1 homozygote.

Submissions (8):

PreventionGenetics, part of Exact Sciences
Classification: Uncertain significance for TTN-related condition. Last evaluated: 2026-08-14. Review status: criteria provided, single submitter. Criteria: ACMG Guidelines, 2015. Collection method: clinical testing. Allele origin: germline.
Comment: The TTN c.67706G>A variant is predicted to result in the amino acid substitution p.Arg22569Gln. To our knowledge, this variant has not been reported in the literature. This variant is reported in 0.096% of alleles in individuals of Latino descent in gnomAD. At this time, the clinical significance of this variant is uncertain due to the absence of conclusive functional and genetic evidence.

Revvity Omics, Revvity
Classification: Uncertain significance. Last evaluated: 2022-09-13. Review status: criteria provided, single submitter. Criteria: ACMG Guidelines, 2015. Collection method: clinical testing. Allele origin: germline.

Ambry Genetics
Classification: Likely benign for Cardiovascular phenotype. Last evaluated: 2019-05-24. Review status: criteria provided, single submitter. Criteria: Ambry Variant Classification Scheme 2023. Collection method: clinical testing. Allele origin: germline.

Labcorp Genetics (formerly Invitae), Labcorp
Classification: Uncertain significance for Dilated cardiomyopathy 1G; Autosomal recessive limb-girdle muscular dystrophy type 2J. Last evaluated: 2017-10-24. Review status: criteria provided, single submitter. Criteria: Invitae Variant Classification Sherloc (09022015). Collection method: clinical testing. Allele origin: germline.

Eurofins Ntd Llc (ga)
Classification: Uncertain significance. Last evaluated: 2017-01-13. Review status: criteria provided, single submitter. Criteria: EGL Classification Definitions 2015. Collection method: clinical testing. Allele origin: germline. Observed: 1 variant allele, 1 heterozygote.

Stanford Center for Inherited Cardiovascular Disease, Stanford University
Classification: Uncertain significance. Last evaluated: 2016-12-07. Review status: criteria provided, single submitter. Criteria: ACMG Guidelines, 2015. Collection method: provider interpretation. Allele origin: germline.

Laboratory for Molecular Medicine, Mass General Brigham Personalized Medicine
Classification: Uncertain significance. Last evaluated: 2015-02-06. Review status: criteria provided, single submitter. Criteria: LMM Criteria. Collection method: clinical testing. Allele origin: germline. Observed: 1 variant allele.
Comment: The p.Arg20001Gln variant in TTN has not been previously reported in individuals with cardiomyopathy, but has been identified in 6/11478 Latino chromosomes by t he Exome Aggregation Consortium (ExAC; dbSNP rs1 85620750). Computational prediction tools and conservation analysis do not provi de strong support for or against an impact to the protein. In summary, the clini cal significance of the p.Arg20001Gln variant is uncertain.

GeneDx
No classification provided. Last evaluated: 2014-06-23. Review status: no classification provided. Criteria: GeneDx Variant Classification (06012015). Collection method: clinical testing. Allele origin: germline. Affected: yes. Not counted in ClinVar's aggregate classification.
Comment: Missense variants in the TTN gene are considered 'unclassified' if they are not previously reported in the literature and do not have >1% frequency in the population to be considered a polymorphism. Research indicates that truncating mutations in the TTN gene are expected to account for approximately 25% of familial and 18% of sporadic idiopathic DCM; however, truncating variants in the TTN gene have been reported in approximately 3% of reported control alleles. There has been little investigation into non-truncating variants. (Herman D et al. Truncations of titin causing dilated cardiomyopathy. N Eng J Med 366:619-628, 2012) The variant is found in DCM-CRDM panel(s).

NM_001267550.2(TTN):c.67706G>A (p.Arg22569Gln)

Genes: TTN (titin; minus strand), TTN-AS1 (TTN antisense RNA 1; plus strand), LOC126806423 (CDK7 strongly-dependent group 2 enhancer GRCh37_chr2:179443309-179444508; plus strand). Cytogenetic location: 2q31.2.
Variant type: single nucleotide variant.
Coding change: c.67706G>A on transcript NM_001267550.2 (MANE Select); coding-DNA position 67706, G replaced by A.
Protein change: p.Arg22569Gln; replaces arginine 22569 with glutamine.
Molecular consequence: missense variant.
Genome position (GRCh38, 1-based): chr2:178,579,324, C>T on the plus strand (G>A on the coding strand, the complement: TTN is on the minus strand). VCF-style: chr2-178579324-C-T. GRCh37 (hg19) VCF-style: chr2-179444051-C-T.
Other names: p.R20928Q:CGG>CAG; c.62783G>A, p.Arg20928Gln (NM_001256850.1); c.40511G>A, p.Arg13504Gln (NM_003319.4); c.60002G>A, p.Arg20001Gln (NM_133378.4); c.40886G>A, p.Arg13629Gln (NM_133432.3); c.41087G>A, p.Arg13696Gln (NM_133437.4); short protein forms R20928Q, R22569Q, R20001Q, R13504Q, R13696Q, R13629Q.
Identifiers: ClinVar variation 202813 (VCV000202813.34), dbSNP rs185620750, ClinGen allele CA310367.